The following is an entry in ClinVar:

NM_001330260.2(SCN8A):c.1226T>C (p.Val409Ala)

Gene: SCN8A (sodium voltage-gated channel alpha subunit 8; plus strand). Cytogenetic location: 12q13.13.
Variant type: single nucleotide variant.
Coding change: c.1226T>C on transcript NM_001330260.2 (MANE Select); coding-DNA position 1226, T replaced by C.
Protein change: p.Val409Ala; replaces valine 409 with alanine.
Molecular consequence: missense variant.
Genome position (GRCh38, 1-based): chr12:51,705,508, T>C. VCF-style: chr12-51705508-T-C. GRCh37 (hg19) VCF-style: chr12-52099292-T-C.
Other names: c.1226T>C, p.Val409Ala (NM_001177984.3, NM_001369788.1, NM_014191.4); short protein forms V409A.
Identifiers: ClinVar variation 1385042 (VCV001385042.9), dbSNP rs2138748239, ClinGen allele CA385227978.

ClinVar aggregate classification (germline): Pathogenic/Likely pathogenic. Review status: criteria provided, multiple submitters, no conflicts (2 of 4 stars). 2 submissions from 2 submitters: Pathogenic (1); Likely pathogenic (1). Last evaluated 2022-06-13.

Conditions:
Cognitive impairment with or without cerebellar ataxia (CIAT). Identifiers: MedGen C3280415, MONDO:0013680, OMIM 614306.
Early-infantile DEE. Also called: Early infantile epileptic encephalopathy with suppression bursts; Early infantile epileptic encephalopathy; Ohtahara syndrome. Identifiers: Orphanet 1934, MedGen C0393706, MONDO:0800491.

Submissions (2):

Labcorp Genetics (formerly Invitae), Labcorp
Classification: Likely pathogenic for Early-infantile DEE. Last evaluated: 2022-06-13. Review status: criteria provided, single submitter. Criteria: Invitae Variant Classification Sherloc (09022015). Collection method: clinical testing. Allele origin: germline.
Comment: In summary, the currently available evidence indicates that the variant is pathogenic, but additional data are needed to prove that conclusively. Therefore, this variant has been classified as Likely Pathogenic. Algorithms developed to predict the effect of missense changes on protein structure and function are either unavailable or do not agree on the potential impact of this missense change (SIFT: "Deleterious"; PolyPhen-2: "Probably Damaging"; Align-GVGD: "Class C0"). This missense change has been observed in individual(s) with SCN8A-related conditions (PMID: 33851778). In at least one individual the variant was observed to be de novo. This variant is not present in population databases (gnomAD no frequency). This sequence change replaces valine, which is neutral and non-polar, with alanine, which is neutral and non-polar, at codon 409 of the SCN8A protein (p.Val409Ala).

Mendelics
Classification: Pathogenic for Cognitive impairment with or without cerebellar ataxia. Last evaluated: 2022-05-04. Review status: criteria provided, single submitter. Criteria: Mendelics Assertion Criteria 2019. Collection method: clinical testing. Allele origin: germline.

Literature cited by the submitters: PubMed 33851778 (cited by Labcorp Genetics (formerly Invitae), Labcorp).